The following is an entry in ClinVar:

ClinVar aggregate classification (germline): not provided (0 of 4 stars; one submission).

Allele frequency attached by ClinVar (database versions not stated): ExAC 0.00001; gnomAD 0.00001; gnomAD exomes 0.00001; 1000 Genomes Project 30x 0.00016; 1000 Genomes Project 0.00020.
gnomAD v4.1: 2 of 1,614,192 alleles (0.00012%); highest among the groups gnomAD compares: East Asian, 0.0022%; no homozygotes.

Submission:

Human Evolutionary Genetics, Institut Pasteur
No classification provided. Review status: no classification provided. Collection method: not provided. Allele origin: germline.
ClinVar note: Converted during submission from untested to not provided.

NM_001391958.1(NLRP10):c.993G>A (p.Glu331=)

Gene: NLRP10 (NLR family pyrin domain containing 10; minus strand). Cytogenetic location: 11p15.4.
Variant type: single nucleotide variant.
Coding change: c.993G>A on transcript NM_001391958.1 (MANE Select); coding-DNA position 993, G replaced by A.
Protein change: p.Glu331=; no amino-acid change (glutamic acid 331 retained).
Molecular consequence: synonymous variant.
Genome position (GRCh38, 1-based): chr11:7,960,619, C>T on the plus strand (G>A on the coding strand, the complement: NLRP10 is on the minus strand). VCF-style: chr11-7960619-C-T. GRCh37 (hg19) VCF-style: chr11-7982166-C-T.
Other names: c.993G>A, p.Glu331= (NM_176821.4).
Identifiers: ClinVar variation 103339 (VCV000103339.2), dbSNP rs199475854, ClinGen allele CA230440.